The following is an entry in ClinVar:

ClinVar aggregate classification (germline): Uncertain significance (1 of 4 stars; one submission).

Submission:

Labcorp Genetics (formerly Invitae), Labcorp
Classification: Uncertain significance. Last evaluated: 2023-12-06. Review status: criteria provided, single submitter. Criteria: Invitae Variant Classification Sherloc (09022015). Collection method: clinical testing. Allele origin: germline.
Comment: This sequence change replaces leucine, which is neutral and non-polar, with valine, which is neutral and non-polar, at codon 81 of the INSR protein (p.Leu81Val). This variant is not present in population databases (gnomAD no frequency). This missense change has been observed in individual(s) with clinical features of autosomal recessive Rabson-Mendenhall syndrome (Invitae). In at least one individual the data is consistent with being in trans (on the opposite chromosome) from a pathogenic variant. ClinVar contains an entry for this variant (Variation ID: 2005951). Advanced modeling of protein sequence and biophysical properties (such as structural, functional, and spatial information, amino acid conservation, physicochemical variation, residue mobility, and thermodynamic stability) performed at Invitae indicates that this missense variant is expected to disrupt INSR protein function with a positive predictive value of 80%. In summary, the available evidence is currently insufficient to determine the role of this variant in disease. Therefore, it has been classified as a Variant of Uncertain Significance.

NM_000208.4(INSR):c.241C>G (p.Leu81Val)

Gene: INSR (insulin receptor; minus strand). Cytogenetic location: 19p13.2.
Variant type: single nucleotide variant.
Coding change: c.241C>G on transcript NM_000208.4 (MANE Select); coding-DNA position 241, C replaced by G.
Protein change: p.Leu81Val; replaces leucine 81 with valine.
Molecular consequence: missense variant.
Genome position (GRCh38, 1-based): chr19:7,267,756, G>C on the plus strand (C>G on the coding strand, the complement: INSR is on the minus strand). VCF-style: chr19-7267756-G-C. GRCh37 (hg19) VCF-style: chr19-7267767-G-C.
Other names: c.241C>G, p.Leu81Val (NM_001079817.3); short protein forms L81V.
Identifiers: ClinVar variation 2005951 (VCV002005951.4), dbSNP rs2512520687, ClinGen allele CA403160285.